The following is an entry in ClinVar:

NM_000548.5(TSC2):c.4663-5C>A

Gene: TSC2 (TSC complex subunit 2; plus strand). Cytogenetic location: 16p13.3.
Variant type: single nucleotide variant.
Coding change: c.4663-5C>A on transcript NM_000548.5 (MANE Select); 5 bases into the intron before coding-DNA position 4663, C replaced by A.
Molecular consequence: intron variant.
Genome position (GRCh38, 1-based): chr16:2,086,188, C>A. VCF-style: chr16-2086188-C-A. GRCh37 (hg19) VCF-style: chr16-2136189-C-A.
Other names: c.4594-5C>A (NM_001114382.3); c.4534-5C>A (NM_021055.3, NM_001370405.1); c.4465-5C>A (NM_001363528.2); c.4531-5C>A (NM_001370404.1); c.4462-5C>A (NM_001077183.3); c.4354-5C>A (NM_001318827.2); c.3931-5C>A (NM_001318831.2); c.4318-5C>A (NM_001318829.2); and 1 more.
Identifiers: ClinVar variation 2429162 (VCV002429162.3), dbSNP rs1555515976, ClinGen allele CA2580091051.

ClinVar aggregate classification (germline): Uncertain significance (1 of 4 stars; one submission).

Submission:

Women's Health and Genetics/Laboratory Corporation of America, LabCorp
Classification: Uncertain significance. Last evaluated: 2023-01-01. Review status: criteria provided, single submitter. Criteria: LabCorp Variant Classification Summary - May 2015. Collection method: clinical testing. Allele origin: germline.
Comment: Variant summary: TSC2 c.4663-5C>A alters a non-conserved nucleotide located close to a canonical splice site and therefore could affect mRNA splicing, leading to a significantly altered protein sequence. 4/4 computational tools predict no significant impact on normal splicing. However, these predictions have yet to be confirmed by functional studies. The variant was absent in 249092 control chromosomes. The available data on variant occurrences in the general population are insufficient to allow any conclusion about variant significance. To our knowledge, no occurrence of c.4663-5C>A in individuals affected with Tuberous Sclerosis Complex and no experimental evidence demonstrating its impact on protein function have been reported. No clinical diagnostic laboratories have submitted clinical-significance assessments for this variant to ClinVar after 2014. Based on the evidence outlined above, the variant was classified as uncertain significance.